The following is an entry in ClinVar:

NM_000784.4(CYP27A1):c.1178C>G (p.Thr393Ser)

Gene: CYP27A1 (cytochrome P450 family 27 subfamily A member 1; plus strand). Cytogenetic location: 2q35.
Variant type: single nucleotide variant.
Coding change: c.1178C>G on transcript NM_000784.4 (MANE Select); coding-DNA position 1178, C replaced by G.
Protein change: p.Thr393Ser; replaces threonine 393 with serine.
Molecular consequence: missense variant.
Genome position (GRCh38, 1-based): chr2:218,814,181, C>G. VCF-style: chr2-218814181-C-G. GRCh37 (hg19) VCF-style: chr2-219678904-C-G.
Other names: short protein forms T393S.
Identifiers: ClinVar variation 4236787 (VCV004236787.1).

ClinVar aggregate classification (germline): Uncertain significance (1 of 4 stars; one submission).

Conditions:
Cardiovascular phenotype. Identifiers: MedGen CN230736.

Submission:

Ambry Genetics
Classification: Uncertain significance for Cardiovascular phenotype. Last evaluated: 2025-07-24. Review status: criteria provided, single submitter. Criteria: Ambry Variant Classification Scheme 2023. Collection method: clinical testing. Allele origin: germline.
Comment: The p.T393S variant (also known as c.1178C>G), located in coding exon 6 of the CYP27A1 gene, results from a C to G substitution at nucleotide position 1178. The threonine at codon 393 is replaced by serine, an amino acid with similar properties. This amino acid position is conserved. In addition, this alteration is predicted to be tolerated by in silico analysis. Based on the available evidence, the clinical significance of this variant remains unclear.